The following is an entry in ClinVar:

ClinVar aggregate classification (germline): Uncertain significance (1 of 4 stars; one submission).

Conditions:
Familial cancer of breast. Also called: Hereditary breast cancer; BREAST CANCER, FAMILIAL; hereditary breast carcinoma. Identifiers: Orphanet 227535, MedGen C0346153, MONDO:0016419, OMIM 114480. Disease mechanism: loss of function.

Submission:

Labcorp Genetics (formerly Invitae), Labcorp
Classification: Uncertain significance for Familial cancer of breast. Last evaluated: 2023-12-16. Review status: criteria provided, single submitter. Criteria: Invitae Variant Classification Sherloc (09022015). Collection method: clinical testing. Allele origin: germline.
Comment: This sequence change replaces glutamic acid, which is acidic and polar, with valine, which is neutral and non-polar, at codon 107 of the CHEK2 protein (p.Glu107Val). This variant is not present in population databases (gnomAD no frequency). This variant has not been reported in the literature in individuals affected with CHEK2-related conditions. An algorithm developed to predict the effect of missense changes on protein structure and function (PolyPhen-2) suggests that this variant is likely to be tolerated. In summary, the available evidence is currently insufficient to determine the role of this variant in disease. Therefore, it has been classified as a Variant of Uncertain Significance.

NM_007194.4(CHEK2):c.320A>T (p.Glu107Val)

Gene: CHEK2 (checkpoint kinase 2; minus strand). Cytogenetic location: 22q12.1.
Variant type: single nucleotide variant.
Coding change: c.320A>T on transcript NM_007194.4 (MANE Select); coding-DNA position 320, A replaced by T.
Protein change: p.Glu107Val; replaces glutamic acid 107 with valine.
Molecular consequence: missense variant.
Genome position (GRCh38, 1-based): chr22:28,725,367, T>A on the plus strand (A>T on the coding strand, the complement: CHEK2 is on the minus strand). VCF-style: chr22-28725367-T-A. GRCh37 (hg19) VCF-style: chr22-29121355-T-A.
Other names: c.449A>T, p.Lys150Ile (NM_001005735.3); c.-458A>T (NM_001257387.3); c.320A>T, p.Glu107Val (NM_001349956.3, NM_145862.3); short protein forms E107V, K150I.
Identifiers: ClinVar variation 2703505 (VCV002703505.3), dbSNP rs1569159156, ClinGen allele CA411108303.
Genomic context (GRCh38, chr22:28,725,367, plus strand): 5'-TCATCAAAGCAATATTCACAGCTTTTGTCCCTCCCAAACCAGTAGTTGTCATTCACACAT[T>A]CTGTAATATAAAAGCATGCATCAGAGGGCTGTTGAATTTCATGTATCAAACGTTTAAAAA-3'
Protein context (NP_009125.1, residues 97-117): WALQDGFANL[Glu107Val]CVNDNYWFGR